The following is an entry in ClinVar:

NM_000719.7(CACNA1C):c.6244C>T (p.Leu2082Phe)

Genes: CACNA1C (calcium voltage-gated channel subunit alpha1 C; plus strand), CACNA1C-AS1 (CACNA1C antisense RNA 1; minus strand). Cytogenetic location: 12p13.33.
Variant type: single nucleotide variant.
Coding change: c.6244C>T on transcript NM_000719.7 (MANE Select); coding-DNA position 6244, C replaced by T.
Protein change: p.Leu2082Phe; replaces leucine 2082 with phenylalanine.
Molecular consequence: missense variant.
Genome position (GRCh38, 1-based): chr12:2,691,026, C>T. VCF-style: chr12-2691026-C-T. GRCh37 (hg19) VCF-style: chr12-2800192-C-T.
Other names: c.6388C>T, p.Leu2130Phe (NM_001129827.2); c.6367C>T, p.Leu2123Phe (NM_001129829.2); c.6349C>T, p.Leu2117Phe (NM_001129830.3, NM_001167624.3); c.6328C>T, p.Leu2110Phe (NM_001129831.2); c.6304C>T, p.Leu2102Phe (NM_001129832.2); c.6301C>T, p.Leu2101Phe (NM_001129833.2, NM_001129834.2, NM_001129835.2); c.6244C>T, p.Leu2082Phe (NM_001129843.2, NM_001167623.2, NM_001129840.2 and 2 more transcripts); c.6235C>T, p.Leu2079Phe (NM_001129844.2); and 6 more; short protein forms L2071F, L2142F, L2088F, L2101F, L2110F, L2130F, L2099F, L2123F.
Identifiers: ClinVar variation 2802217 (VCV002802217.3), dbSNP rs2535496786, ClinGen allele CA383386604.

ClinVar aggregate classification (germline): Uncertain significance (1 of 4 stars; one submission).

Conditions:
Long QT syndrome (LQTS). Identifiers: MedGen C0023976, MeSH D008133, MONDO:0002442. Disease mechanism: loss of function. Inheritance: Various modes of inheritance.

Submission:

Labcorp Genetics (formerly Invitae), Labcorp
Classification: Uncertain significance for Long QT syndrome. Last evaluated: 2024-04-29. Review status: criteria provided, single submitter. Criteria: Invitae Variant Classification Sherloc (09022015). Collection method: clinical testing. Allele origin: germline.
Comment: This sequence change replaces leucine, which is neutral and non-polar, with phenylalanine, which is neutral and non-polar, at codon 2082 of the CACNA1C protein (p.Leu2082Phe). This variant is not present in population databases (gnomAD no frequency). This variant has not been reported in the literature in individuals affected with CACNA1C-related conditions. Advanced modeling of protein sequence and biophysical properties (such as structural, functional, and spatial information, amino acid conservation, physicochemical variation, residue mobility, and thermodynamic stability) performed at Invitae indicates that this missense variant is not expected to disrupt CACNA1C protein function with a negative predictive value of 95%. In summary, the available evidence is currently insufficient to determine the role of this variant in disease. Therefore, it has been classified as a Variant of Uncertain Significance.